The following is an entry in ClinVar:

NM_000211.5(ITGB2):c.1888G>A (p.Glu630Lys)

Gene: ITGB2 (integrin subunit beta 2; minus strand). Cytogenetic location: 21q22.3.
Variant type: single nucleotide variant.
Coding change: c.1888G>A on transcript NM_000211.5 (MANE Select); coding-DNA position 1888, G replaced by A.
Protein change: p.Glu630Lys; replaces glutamic acid 630 with lysine.
Molecular consequence: missense variant.
Genome position (GRCh38, 1-based): chr21:44,888,885, C>T on the plus strand (G>A on the coding strand, the complement: ITGB2 is on the minus strand). VCF-style: chr21-44888885-C-T. GRCh37 (hg19) VCF-style: chr21-46308800-C-T.
Other names: p.Glu630Lys; c.1888G>A, p.Glu630Lys (NM_001127491.3); c.1681G>A, p.Glu561Lys (NM_001303238.2); short protein forms E630K, E561K.
Identifiers: ClinVar variation 445547 (VCV000445547.38), dbSNP rs2230531, ClinGen allele CA10062643.

ClinVar aggregate classification (germline): Benign/Likely benign. Review status: criteria provided, multiple submitters, no conflicts (2 of 4 stars). 9 submissions from 9 submitters: Benign (2); Likely benign (7). Last evaluated 2026-09-01.

Conditions:
Leukocyte adhesion deficiency 1 (LAD1). Also called: LEUKOCYTE ADHESION DEFICIENCY, TYPE I; LAD 1; Lymphocyte function-associated antigen 1 immunodeficiency; LFA 1 immunodeficiency. Identifiers: Orphanet 2968, Orphanet 99842, MedGen C0398738, MONDO:0007293, OMIM 116920.

Allele frequency attached by ClinVar (database versions not stated): 1000 Genomes Project 0.00080; 1000 Genomes Project 30x 0.00094; ESP Exome Variant Server 0.00315; TOPMed 0.00380; gnomAD exomes 0.00496; gnomAD 0.00510 and 0.00539; ExAC 0.00538.
gnomAD v4.1: 10,154 of 1,605,294 alleles (0.63%); highest among the groups gnomAD compares: Non-Finnish European, 0.73%; 58 homozygotes.

Submissions (9):

CeGaT Center for Human Genetics Tuebingen
Classification: Likely benign. Last evaluated: 2026-09-01. Review status: criteria provided, single submitter. Criteria: CeGaT Center For Human Genetics Tuebingen Variant Classification Criteria Version 2. Collection method: clinical testing. Allele origin: germline. Affected: yes. Observed: 3 variant alleles.
Comment: ITGB2: BS2

Women's Health and Genetics/Laboratory Corporation of America, LabCorp
Classification: Likely benign. Last evaluated: 2026-04-02. Review status: criteria provided, single submitter. Criteria: LabCorp Variant Classification Summary - May 2015. Collection method: clinical testing. Allele origin: germline.
Comment: Variant summary: ITGB2 c.1888G>A (p.Glu630Lys) results in a conservative amino acid change in the encoded protein sequence. Algorithms developed to predict the effect of missense changes on protein structure and function are either unavailable or do not agree on the potential impact of this missense change. The variant allele was found at a frequency of 0.005 in 241732 control chromosomes, predominantly at a frequency of 0.007 within the Non-Finnish European subpopulation in the gnomAD database, including 7 homozygotes. The observed variant frequency within Non-Finnish European control individuals in the gnomAD database exceeds the estimated maximal expected allele frequency for disease-causing variants in ITGB2. c.1888G>A has been observed in individuals affected with infectious purpura fulminans without clinical details (Bendapudi_2024). These report(s) do not provide unequivocal conclusions about association of the variant with Leukocyte adhesion deficiency 1. To our knowledge, no experimental evidence demonstrating an impact on protein function has been reported. The following publication have been ascertained in the context of this evaluation (PMID: 38096369). ClinVar contains an entry for this variant (Variation ID: 445547). Based on the evidence outlined above, the variant was classified as likely benign.

Labcorp Genetics (formerly Invitae), Labcorp
Classification: Benign for Leukocyte adhesion deficiency 1. Last evaluated: 2026-02-01. Review status: criteria provided, single submitter. Criteria: Invitae Variant Classification Sherloc (09022015). Collection method: clinical testing. Allele origin: germline.

Mayo Clinic Laboratories, Mayo Clinic
Classification: Benign. Last evaluated: 2024-04-03. Review status: criteria provided, single submitter. Criteria: ACMG Guidelines, 2015. Collection method: clinical testing. Allele origin: germline. Observed: 7 variant alleles.
Comment: BS1, BS2

Center for Genomics, Ann and Robert H. Lurie Children's Hospital of Chicago
Classification: Likely benign for Leukocyte adhesion deficiency 1. Last evaluated: 2022-07-15. Review status: criteria provided, single submitter. Criteria: ACMG Guidelines, 2015. Collection method: clinical testing. Allele origin: germline.
Comment: This variant has been reported in the literature in at least 10 individuals with chronic lymphocytic leukemia (CLL) (Goldin 2016 PMID:27629550, Blackburn 2017 PMID:28490671); however at least 1 study did not identify an enrichment of the variant in cases vs. controls. This variant was also identified in 3 individuals with congenital heart defects (Russell 2019 PMID:31453292). This variant is present in the Genome Aggregation Database (Highest reported MAF 2.1% (226/10616) including 8 homozygotes. This variant is present in ClinVar, with multiple labs classifying this variant as Benign or Likely Benign (Variation ID:445547). Evolutionary conservation and computational predictive tools for this variant are unclear. In summary, data on this variant suggests that this variant does not cause disease but requires further evidence. Therefore, this variant is classified as likely benign.

Fulgent Genetics
Classification: Likely benign for Leukocyte adhesion deficiency 1. Last evaluated: 2022-04-22. Review status: criteria provided, single submitter. Criteria: ACMG Guidelines, 2015. Collection method: clinical testing. Allele origin: unknown.

Illumina Laboratory Services, Illumina
Classification: Likely benign for Leukocyte adhesion deficiency 1. Last evaluated: 2018-01-13. Review status: criteria provided, single submitter. Criteria: ICSL Variant Classification Criteria 13 December 2019. Collection method: clinical testing. Allele origin: germline.
Comment: This variant was observed in the ICSL laboratory as part of a predisposition screen in an ostensibly healthy population. It had not been previously curated by ICSL or reported in the Human Gene Mutation Database (HGMD: prior to June 1st, 2018), and was therefore a candidate for classification through an automated scoring system. Utilizing variant allele frequency, disease prevalence and penetrance estimates, and inheritance mode, an automated score was calculated to assess if this variant is too frequent to cause the disease. Based on the score and internal cut-off values, a variant classified as likely benign is not then subjected to further curation. The score for this variant resulted in a classification of likely benign for this disease.

Center for Pediatric Genomic Medicine, Children's Mercy Hospital and Clinics
Classification: Likely benign. Last evaluated: 2017-06-16. Review status: criteria provided, single submitter. Criteria: ACMG Guidelines, 2015. Collection method: clinical testing. Allele origin: germline.

Breakthrough Genomics
Classification: Likely benign. Review status: criteria provided, single submitter. Criteria: ACMG Guidelines, 2015. Collection method: not provided. Allele origin: germline. Inheritance: Autosomal recessive inheritance. Affected: yes.

Literature cited by the submitters: PubMed 38096369 (cited by Women's Health and Genetics/Laboratory Corporation of America, LabCorp).